The following is an entry in ClinVar:

ClinVar aggregate classification (germline): Uncertain significance. Review status: criteria provided, multiple submitters, no conflicts (2 of 4 stars). 2 submissions from 2 submitters: Uncertain significance (2). Last evaluated 2023-05-08.

Conditions:
Cutis laxa with osteodystrophy (ARCL2A). Also called: Debré-Type Cutis Laxa; CUTIS LAXA WITH CONGENITAL DISORDER OF GLYCOSYLATION; CUTIS LAXA, AUTOSOMAL RECESSIVE, TYPE IIA; CUTIS LAXA WITH BONE DYSTROPHY; CUTIS LAXA WITH GROWTH AND DEVELOPMENTAL DELAY; CUTIS LAXA WITH JOINT LAXITY AND RETARDED DEVELOPMENT. Identifiers: Orphanet 357058, MedGen C0268355, MONDO:0018163, OMIM 219200. Disease mechanism: loss of function.
ALG9 congenital disorder of glycosylation (CDG1L). Also called: CDG Il; CONGENITAL DISORDER OF GLYCOSYLATION, TYPE Il; ALG9-CDG. Identifiers: Orphanet 79328, MedGen C2931006, MONDO:0012117, OMIM 608776.

Allele frequency attached by ClinVar (database versions not stated): ExAC 0.00001; gnomAD exomes 0.00001 and 0.00002; TOPMed 0.00001.
gnomAD v4.1: 8 of 1,614,176 alleles (0.0005%); highest among the groups gnomAD compares: East Asian, 0.0022%; no homozygotes.

Submissions (2):

Labcorp Genetics (formerly Invitae), Labcorp
Classification: Uncertain significance for ALG9 congenital disorder of glycosylation. Last evaluated: 2023-05-08. Review status: criteria provided, single submitter. Criteria: Invitae Variant Classification Sherloc (09022015). Collection method: clinical testing. Allele origin: germline.
Comment: ClinVar contains an entry for this variant (Variation ID: 533136). This variant has not been reported in the literature in individuals affected with ATP6V0A2-related conditions. This variant is present in population databases (rs774276857, gnomAD 0.004%). This sequence change replaces arginine, which is basic and polar, with histidine, which is basic and polar, at codon 780 of the ATP6V0A2 protein (p.Arg780His). Advanced modeling of protein sequence and biophysical properties (such as structural, functional, and spatial information, amino acid conservation, physicochemical variation, residue mobility, and thermodynamic stability) performed at Invitae indicates that this missense variant is not expected to disrupt ATP6V0A2 protein function. In summary, the available evidence is currently insufficient to determine the role of this variant in disease. Therefore, it has been classified as a Variant of Uncertain Significance.

Illumina Laboratory Services, Illumina
Classification: Uncertain significance for Cutis laxa with osteodystrophy. Last evaluated: 2018-01-13. Review status: criteria provided, single submitter. Criteria: ICSL Variant Classification Criteria 13 December 2019. Collection method: clinical testing. Allele origin: germline.

NM_012463.4(ATP6V0A2):c.2339G>A (p.Arg780His)

Gene: ATP6V0A2 (ATPase H+ transporting V0 subunit a2; plus strand). Cytogenetic location: 12q24.31.
Variant type: single nucleotide variant.
Coding change: c.2339G>A on transcript NM_012463.4 (MANE Select); coding-DNA position 2339, G replaced by A.
Protein change: p.Arg780His; replaces arginine 780 with histidine.
Molecular consequence: missense variant.
Genome position (GRCh38, 1-based): chr12:123,756,860, G>A. VCF-style: chr12-123756860-G-A. GRCh37 (hg19) VCF-style: chr12-124241407-G-A.
Other names: short protein forms R780H.
Identifiers: ClinVar variation 533136 (VCV000533136.15), dbSNP rs774276857, ClinGen allele CA6862222.